The following is an entry in ClinVar:

ClinVar aggregate classification (germline): Uncertain significance. Review status: criteria provided, multiple submitters, no conflicts (2 of 4 stars). 2 submissions from 2 submitters: Uncertain significance (2). Last evaluated 2024-08-06.

Conditions:
Ehlers-Danlos syndrome, type 4 (EDSVASC). Also called: Ehlers-Danlos syndrome vascular type; Ehlers Danlos syndrome, ecchymotic type; Ehlers Danlos syndrome, arterial type; Ehlers Danlos syndrome, Sack-Barabas type; Ehlers-Danlos Syndrome Type IV. Identifiers: Orphanet 286, MedGen C0268338, MONDO:0017314, OMIM 130050.
Familial thoracic aortic aneurysm and aortic dissection (TAAD). Also called: Thoracic aortic aneurysms and dissections. Identifiers: Orphanet 91387, MedGen C4707243, MONDO:0019625.

Allele frequency attached by ClinVar (database versions not stated): TOPMed below 0.00001.

Submissions (2):

All of Us Research Program, National Institutes of Health
Classification: Uncertain significance for Ehlers-Danlos syndrome, type 4. Last evaluated: 2024-08-06. Review status: criteria provided, single submitter. Criteria: ACMG Guidelines, 2015. Collection method: clinical testing. Allele origin: germline. Inheritance: Autosomal dominant inheritance. Observed: 1 variant allele, 1 heterozygote.
Comment: Variant of Uncertain Significance due to insufficient evidence: This missense variant is located in the triple-helical region of the COL3A1 protein. Computational prediction tools and conservation analyses suggest that this variant may have deleterious impact on the protein function. Computational splicing tools suggest that this variant may not impact RNA splicing. To our knowledge, functional assays have not been performed for this variant nor has this variant been reported in individuals affected with cardiovascular disorders in the literature. This variant is rare in the general population and has been identified in 0/277264 chromosomes by the Genome Aggregation Database (gnomAD). Available evidence is insufficient to determine the role of this variant in disease conclusively.

This study involves interpretation of variants in research participants for the purpose of population health screening. Participant phenotype was not available at the time of variant classification. Additional details can be found in publication PMID: 35346344, PMCID: PMC8962531

Color Diagnostics, LLC DBA Color Health
Classification: Uncertain significance for Familial thoracic aortic aneurysm and aortic dissection. Last evaluated: 2023-12-05. Review status: criteria provided, single submitter. Criteria: ACMG Guidelines, 2015. Collection method: clinical testing. Allele origin: germline.
Comment: Variant of Uncertain Significance due to insufficient evidence: This missense variant is located in the triple-helical region of the COL3A1 protein. Computational prediction tools and conservation analyses suggest that this variant may have deleterious impact on the protein function. Computational splicing tools suggest that this variant may not impact RNA splicing. To our knowledge, functional assays have not been performed for this variant nor has this variant been reported in individuals affected with cardiovascular disorders in the literature. This variant is rare in the general population and has been identified in 0/277264 chromosomes by the Genome Aggregation Database (gnomAD). Available evidence is insufficient to determine the role of this variant in disease conclusively.

NM_000090.4(COL3A1):c.1712C>A (p.Pro571His)

Gene: COL3A1 (collagen type III alpha 1 chain; plus strand). Cytogenetic location: 2q32.2.
Variant type: single nucleotide variant.
Coding change: c.1712C>A on transcript NM_000090.4 (MANE Select); coding-DNA position 1712, C replaced by A.
Protein change: p.Pro571His; replaces proline 571 with histidine.
Molecular consequence: missense variant.
Genome position (GRCh38, 1-based): chr2:188,996,447, C>A. VCF-style: chr2-188996447-C-A. GRCh37 (hg19) VCF-style: chr2-189861173-C-A.
Other names: short protein forms P571H.
Identifiers: ClinVar variation 927318 (VCV000927318.6), dbSNP rs1688321100, ClinGen allele CA349852731.